The following is an entry in ClinVar:

ClinVar aggregate classification (germline): Conflicting classifications of pathogenicity. Review status: criteria provided, conflicting classifications (1 of 4 stars). 8 submissions from 8 submitters: Uncertain significance (5); Likely benign (3). Last evaluated 2026-01-20.

Conditions:
Pediatric high-grade glioma. Identifiers: MedGen C5908419, MONDO:1010030.
DICER1-related tumor predisposition. Also called: DICER1-related pleuropulmonary blastoma cancer predisposition syndrome; DICER1 syndrome. Identifiers: Orphanet 284343, MedGen C3839822, MONDO:0100216.
Hereditary cancer-predisposing syndrome. Also called: Hereditary Cancer Syndrome; Tumor predisposition; Hereditary neoplastic syndrome; Neoplastic Syndromes, Hereditary. Identifiers: Orphanet 140162, MedGen C0027672, MeSH D009386, MONDO:0015356.

Allele frequency attached by ClinVar (database versions not stated): ExAC 0.00002; gnomAD exomes 0.00003; TOPMed 0.00007; gnomAD 0.00011 and 0.00013.
gnomAD v4.1: 62 of 1,614,050 alleles (0.0038%); highest among the groups gnomAD compares: African/African-American, 0.012%; no homozygotes.

Submissions (8):

Labcorp Genetics (formerly Invitae), Labcorp
Classification: Likely benign for DICER1-related tumor predisposition. Last evaluated: 2026-01-20. Review status: criteria provided, single submitter. Criteria: Invitae Variant Classification Sherloc (09022015). Collection method: clinical testing. Allele origin: germline.

Center for Genomic Medicine, Rigshospitalet, Copenhagen University Hospital
Classification: Uncertain significance. Last evaluated: 2025-12-29. Review status: criteria provided, single submitter. Criteria: ACMG Guidelines, 2015. Collection method: clinical testing. Allele origin: germline.
Comment: Classification criteria: BP4

Blueprint Genetics
Classification: Likely benign. Last evaluated: 2024-11-05. Review status: criteria provided, single submitter. Criteria: ACMG Guidelines, 2015. Collection method: clinical testing. Allele origin: germline.

Ambry Genetics
Classification: Uncertain significance for Hereditary cancer-predisposing syndrome. Last evaluated: 2024-09-19. Review status: criteria provided, single submitter. Criteria: Ambry Variant Classification Scheme 2023. Collection method: clinical testing. Allele origin: germline.
Comment: The p.T1539M variant (also known as c.4616C>T), located in coding exon 22 of the DICER1 gene, results from a C to T substitution at nucleotide position 4616. The threonine at codon 1539 is replaced by methionine, an amino acid with similar properties. This alteration has been reported in four individuals from one family who were all affected with DICER1-related tumors; however, these individuals were also found to carry a truncating DICER1 mutation in addition to this alteration (Kuhlen M et al. Eur. J. Pediatr. 2016 Apr;175:593-7). This amino acid position is not well conserved in available vertebrate species. In addition, this alteration is predicted to be tolerated by in silico analysis. Since supporting evidence is limited at this time, the clinical significance of this alteration remains unclear.

GeneDx
Classification: Uncertain significance. Last evaluated: 2023-02-22. Review status: criteria provided, single submitter. Criteria: GeneDx Variant Classification Process June 2021. Collection method: clinical testing. Allele origin: germline. Affected: yes.
Comment: In silico analysis supports that this missense variant does not alter protein structure/function; Observed with a truncating DICER1 variant (phase unknown) in four individuals from a single family, each with DICER1-related tumors (Kuhlen et al., 2015); This variant is associated with the following publications: (PMID: 29708584, 29762508, 28748527, 35384518, 26526666)

Institute for Clinical Genetics, University Hospital TU Dresden, University Hospital TU Dresden
Classification: Uncertain significance. Last evaluated: 2021-11-03. Review status: criteria provided, single submitter. Criteria: ACMG Guidelines, 2015. Collection method: clinical testing. Allele origin: germline.

Foulkes Cancer Genetics LDI, Lady Davis Institute for Medical Research
Classification: Likely benign. Last evaluated: 2019-07-01. Review status: criteria provided, single submitter. Criteria: ACMG Guidelines, 2015. Collection method: curation. Allele origin: germline. Affected: yes. Observed: 4 variant alleles.
Comment: ACMG criteria met: BP1, BP2, PB4

Laboratory of Medical Genetics Unit, Bambino Gesù Children's Hospital
Classification: Uncertain significance for Pediatric high-grade glioma. Review status: criteria provided, single submitter. Criteria: ACMG Guidelines, 2015. Collection method: research. Allele origin: germline. Affected: yes. Observed: 1 heterozygote.

Literature cited by the submitters: PubMed 26526666 (cited by Ambry Genetics and Foulkes Cancer Genetics LDI, Lady Davis Institute for Medical Research); PubMed 29708584 (cited by Ambry Genetics).

NM_177438.3(DICER1):c.4616C>T (p.Thr1539Met)

Gene: DICER1 (dicer 1, ribonuclease III; minus strand). Cytogenetic location: 14q32.13.
Variant type: single nucleotide variant.
Coding change: c.4616C>T on transcript NM_177438.3 (MANE Select); coding-DNA position 4616, C replaced by T.
Protein change: p.Thr1539Met; replaces threonine 1539 with methionine.
Molecular consequence: missense variant.
Genome position (GRCh38, 1-based): chr14:95,096,304, G>A on the plus strand (C>T on the coding strand, the complement: DICER1 is on the minus strand). VCF-style: chr14-95096304-G-A. GRCh37 (hg19) VCF-style: chr14-95562641-G-A.
Other names: c.4616C>T, p.Thr1539Met (NM_001195573.1, NM_001271282.3, NM_001291628.2 and 1 more transcripts); short protein forms T1539M.
Identifiers: ClinVar variation 242114 (VCV000242114.26), dbSNP rs747901058, ClinGen allele CA7330825.
Genomic context (GRCh38, chr14:95,096,304, plus strand): 5'-ATGCTTTTGTCAGCAATACACTGCTCAGTGTGCAAGTCGTAAGAAATGGACTGCTTTCCC[G>A]TGTCAACACCACAGTTTTCTTCTGATGGATTCCAGAACCCCACCACAAAGTCATCTTCTT-3'
Protein context (NP_803187.1, residues 1529-1549): NPSEENCGVD[Thr1539Met]GKQSISYDLH